The following is an entry in ClinVar:

ClinVar aggregate classification (germline): Uncertain significance (1 of 4 stars; one submission).

Conditions:
Progressive familial heart block type IB (PFHB1B). Identifiers: Orphanet 871, MedGen C1970298, MONDO:0011474, OMIM 604559.

Submission:

Labcorp Genetics (formerly Invitae), Labcorp
Classification: Uncertain significance for Progressive familial heart block type IB. Last evaluated: 2024-08-31. Review status: criteria provided, single submitter. Criteria: Invitae Variant Classification Sherloc (09022015). Collection method: clinical testing. Allele origin: germline.
Comment: This sequence change replaces lysine, which is basic and polar, with glutamic acid, which is acidic and polar, at codon 261 of the TRPM4 protein (p.Lys261Glu). This variant is not present in population databases (gnomAD no frequency). This variant has not been reported in the literature in individuals affected with TRPM4-related conditions. An algorithm developed to predict the effect of missense changes on protein structure and function (PolyPhen-2) suggests that this variant is likely to be disruptive. In summary, the available evidence is currently insufficient to determine the role of this variant in disease. Therefore, it has been classified as a Variant of Uncertain Significance.

NM_017636.4(TRPM4):c.781A>G (p.Lys261Glu)

Gene: TRPM4 (transient receptor potential cation channel subfamily M member 4; plus strand). Cytogenetic location: 19q13.33.
Variant type: single nucleotide variant.
Coding change: c.781A>G on transcript NM_017636.4 (MANE Select); coding-DNA position 781, A replaced by G.
Protein change: p.Lys261Glu; replaces lysine 261 with glutamic acid.
Molecular consequence: missense variant. On other transcripts: 5 prime UTR variant (2).
Genome position (GRCh38, 1-based): chr19:49,168,721, A>G. VCF-style: chr19-49168721-A-G. GRCh37 (hg19) VCF-style: chr19-49671978-A-G.
Other names: c.781A>G, p.Lys261Glu (NM_001195227.2); c.436A>G, p.Lys146Glu (NM_001321281.2); c.-773A>G (NM_001321282.2); c.259A>G, p.Lys87Glu (NM_001321283.2); c.-69A>G (NM_001321285.2); short protein forms K261E, K146E, K87E.
Identifiers: ClinVar variation 3666057 (VCV003666057.2).
Genomic context (GRCh38, chr19:49,168,721, plus strand): 5'-GGCTGCCTGGGGGGCGAGAACCGCTTCCGCTTGCGCCTGGAGTCCTACATCTCACAGCAG[A>G]AGACGGGCGTGGGAGGTGAGTGGTCGAACCCATGACCCACAACCCACGACCCACAACCTG-3'
Protein context (NP_060106.2, residues 251-271): LRLESYISQQ[Lys261Glu]TGVGGTGIDI